The following is an entry in ClinVar:

NM_001563.4(IMPG1):c.727G>C (p.Val243Leu)

Gene: IMPG1 (interphotoreceptor matrix proteoglycan 1; minus strand). Cytogenetic location: 6q14.1.
Variant type: single nucleotide variant.
Coding change: c.727G>C on transcript NM_001563.4 (MANE Select); coding-DNA position 727, G replaced by C.
Protein change: p.Val243Leu; replaces valine 243 with leucine.
Molecular consequence: missense variant.
Genome position (GRCh38, 1-based): chr6:76,018,798, C>G on the plus strand (G>C on the coding strand, the complement: IMPG1 is on the minus strand). VCF-style: chr6-76018798-C-G. GRCh37 (hg19) VCF-style: chr6-76728515-C-G.
Other names: c.493G>C, p.Val165Leu (NM_001282368.2); short protein forms V165L, V243L.
Identifiers: ClinVar variation 1523788 (VCV001523788.6), dbSNP rs1341470710, ClinGen allele CA364778963.
Genomic context (GRCh38, chr6:76,018,798, plus strand): 5'-CTAGCTCCTGGTAATATGGGGACTGGGAGTCAGCGAGCTCTGCCTTGAACTTCTGGTTTA[C>G]CAGAGAGACGCTGAGCTCCACCCTCTGCTCCTCCAACACAGCGAATTCTGTTTCTCTTTC-3'
Protein context (NP_001554.2, residues 233-253): EQRVELSVSL[Val243Leu]NQKFKAELAD

ClinVar aggregate classification (germline): Uncertain significance (1 of 4 stars; one submission).

Allele frequency attached by ClinVar (database versions not stated): gnomAD exomes below 0.00001.
gnomAD v4.1: 4 of 1,612,614 alleles (0.00025%); highest among the groups gnomAD compares: Non-Finnish European, 0.00034%; no homozygotes.

Submission:

Labcorp Genetics (formerly Invitae), Labcorp
Classification: Uncertain significance. Last evaluated: 2025-01-27. Review status: criteria provided, single submitter. Criteria: Invitae Variant Classification Sherloc (09022015). Collection method: clinical testing. Allele origin: germline.
Comment: This sequence change replaces valine, which is neutral and non-polar, with leucine, which is neutral and non-polar, at codon 243 of the IMPG1 protein (p.Val243Leu). This variant is not present in population databases (gnomAD no frequency). This missense change has been observed in individual(s) with clinical features of retinitis pigmentosa (internal data). ClinVar contains an entry for this variant (Variation ID: 1523788). An algorithm developed to predict the effect of missense changes on protein structure and function (PolyPhen-2) suggests that this variant is likely to be tolerated. In summary, the available evidence is currently insufficient to determine the role of this variant in disease. Therefore, it has been classified as a Variant of Uncertain Significance.